The following is an entry in ClinVar:

NM_000059.4(BRCA2):c.7594C>A (p.Pro2532Thr)

Gene: BRCA2 (BRCA2 DNA repair associated; plus strand). Cytogenetic location: 13q13.1.
Variant type: single nucleotide variant.
Coding change: c.7594C>A on transcript NM_000059.4 (MANE Select); coding-DNA position 7594, C replaced by A.
Protein change: p.Pro2532Thr; replaces proline 2532 with threonine.
Molecular consequence: missense variant.
Genome position (GRCh38, 1-based): chr13:32,356,586, C>A. VCF-style: chr13-32356586-C-A. GRCh37 (hg19) VCF-style: chr13-32930723-C-A.
Other names: short protein forms P2532T.
Identifiers: ClinVar variation 629694 (VCV000629694.11), dbSNP rs397507388, ClinGen allele CA387743902.

ClinVar aggregate classification (germline): Conflicting classifications of pathogenicity. Review status: criteria provided, conflicting classifications (1 of 4 stars). 3 submissions from 3 submitters: Uncertain significance (2); Likely benign (1). Last evaluated 2025-05-15.

Conditions:
Hereditary cancer-predisposing syndrome. Also called: Neoplastic Syndromes, Hereditary; Tumor predisposition; Hereditary neoplastic syndrome; Hereditary Cancer Syndrome. Identifiers: Orphanet 140162, MedGen C0027672, MeSH D009386, MONDO:0015356.
Hereditary breast ovarian cancer syndrome. Also called: Hereditary breast and ovarian cancer syndrome; Hereditary breast and ovarian cancer; Hereditary breast and ovarian cancer syndrome (HBOC); Breast and ovarian cancer; Hereditary breast and/or ovarian cancer syndrome; BRCA1- and BRCA2-Associated Hereditary Breast and Ovarian Cancer. Identifiers: Orphanet 145, MedGen C0677776, MeSH D061325, MONDO:0003582. Disease mechanism: loss of function.

Submissions (3):

Ambry Genetics
Classification: Likely benign for Hereditary cancer-predisposing syndrome. Last evaluated: 2025-05-15. Review status: criteria provided, single submitter. Criteria: Ambry Variant Classification Scheme 2023. Collection method: clinical testing. Allele origin: germline.

Labcorp Genetics (formerly Invitae), Labcorp
Classification: Uncertain significance for Hereditary breast ovarian cancer syndrome. Last evaluated: 2022-08-31. Review status: criteria provided, single submitter. Criteria: Invitae Variant Classification Sherloc (09022015). Collection method: clinical testing. Allele origin: germline.
Comment: This sequence change replaces proline, which is neutral and non-polar, with threonine, which is neutral and polar, at codon 2532 of the BRCA2 protein (p.Pro2532Thr). This variant has not been reported in the literature in individuals affected with BRCA2-related conditions. This variant is not present in population databases (gnomAD no frequency). ClinVar contains an entry for this variant (Variation ID: 629694). Advanced modeling of protein sequence and biophysical properties (such as structural, functional, and spatial information, amino acid conservation, physicochemical variation, residue mobility, and thermodynamic stability) performed at Invitae indicates that this missense variant is not expected to disrupt BRCA2 protein function. In summary, the available evidence is currently insufficient to determine the role of this variant in disease. Therefore, it has been classified as a Variant of Uncertain Significance.

Color Diagnostics, LLC DBA Color Health
Classification: Uncertain significance for Hereditary cancer-predisposing syndrome. Last evaluated: 2019-05-23. Review status: criteria provided, single submitter. Criteria: ACMG Guidelines, 2015. Collection method: clinical testing. Allele origin: germline.